The following is an entry in ClinVar:

NM_015570.4(AUTS2):c.2732C>T (p.Ala911Val)

Gene: AUTS2 (activator of transcription and developmental regulator AUTS2; plus strand). Cytogenetic location: 7q11.22.
Variant type: single nucleotide variant.
Coding change: c.2732C>T on transcript NM_015570.4 (MANE Select); coding-DNA position 2732, C replaced by T.
Protein change: p.Ala911Val; replaces alanine 911 with valine.
Molecular consequence: missense variant.
Genome position (GRCh38, 1-based): chr7:70,789,948, C>T. VCF-style: chr7-70789948-C-T. GRCh37 (hg19) VCF-style: chr7-70254934-C-T.
Other names: c.2660C>T, p.Ala887Val (NM_001127231.3); short protein forms A887V, A911V.
Identifiers: ClinVar variation 2795271 (VCV002795271.3), dbSNP rs748225756, ClinGen allele CA4281166.

ClinVar aggregate classification (germline): Uncertain significance (1 of 4 stars; one submission).

Allele frequency attached by ClinVar (database versions not stated): ExAC 0.00003; TOPMed 0.00001.
gnomAD v4.1: 23 of 1,613,766 alleles (0.0014%); highest among the groups gnomAD compares: Non-Finnish European, 0.0017%; no homozygotes.

Submission:

Labcorp Genetics (formerly Invitae), Labcorp
Classification: Uncertain significance. Last evaluated: 2025-03-17. Review status: criteria provided, single submitter. Criteria: Invitae Variant Classification Sherloc (09022015). Collection method: clinical testing. Allele origin: germline.
Comment: This sequence change replaces alanine, which is neutral and non-polar, with valine, which is neutral and non-polar, at codon 911 of the AUTS2 protein (p.Ala911Val). This variant is present in population databases (rs748225756, gnomAD 0.003%). This variant has not been reported in the literature in individuals affected with AUTS2-related conditions. ClinVar contains an entry for this variant (Variation ID: 2795271). Invitae Evidence Modeling of protein sequence and biophysical properties (such as structural, functional, and spatial information, amino acid conservation, physicochemical variation, residue mobility, and thermodynamic stability) indicates that this missense variant is not expected to disrupt AUTS2 protein function with a negative predictive value of 80%. In summary, the available evidence is currently insufficient to determine the role of this variant in disease. Therefore, it has been classified as a Variant of Uncertain Significance.